The following is an entry in ClinVar:

NM_000090.4(COL3A1):c.4131A>C (p.Ala1377=)

Gene: COL3A1 (collagen type III alpha 1 chain; plus strand). Cytogenetic location: 2q32.2.
Variant type: single nucleotide variant.
Coding change: c.4131A>C on transcript NM_000090.4 (MANE Select); coding-DNA position 4131, A replaced by C.
Protein change: p.Ala1377=; no amino-acid change (alanine 1377 retained).
Molecular consequence: synonymous variant.
Genome position (GRCh38, 1-based): chr2:189,010,767, A>C. VCF-style: chr2-189010767-A-C. GRCh37 (hg19) VCF-style: chr2-189875493-A-C.
Identifiers: ClinVar variation 927871 (VCV000927871.7), dbSNP rs560478513, ClinGen allele CA076466.
Genomic context (GRCh38, chr2:189,010,767, plus strand): 5'-TCGACTTCTCTCCAGCCGAGCTTCCCAGAACATCACATATCACTGCAAAAATAGCATTGC[A>C]TACATGGATCAGGCCAGTGGAAATGTAAAGAAGGCCCTGAAGCTGATGGGGTCAAATGAA-3'
Protein context (NP_000081.2, residues 1367-1387): NITYHCKNSI[Ala1377=]YMDQASGNVK

ClinVar aggregate classification (germline): Likely benign. Review status: criteria provided, multiple submitters, no conflicts (2 of 4 stars). 4 submissions from 4 submitters: Likely benign (4). Last evaluated 2025-10-27.

Conditions:
Familial thoracic aortic aneurysm and aortic dissection (TAAD). Also called: Thoracic aortic aneurysms and dissections. Identifiers: Orphanet 91387, MedGen C4707243, MONDO:0019625.
Ehlers-Danlos syndrome, type 4 (EDSVASC). Also called: Ehlers-Danlos syndrome vascular type; Ehlers Danlos syndrome, ecchymotic type; Ehlers Danlos syndrome, arterial type; Ehlers Danlos syndrome, Sack-Barabas type; Ehlers-Danlos Syndrome Type IV. Identifiers: Orphanet 286, MedGen C0268338, MONDO:0017314, OMIM 130050.

Allele frequency attached by ClinVar (database versions not stated): gnomAD below 0.00001 and 0.00002; TOPMed 0.00001; 1000 Genomes Project 30x 0.00016; 1000 Genomes Project 0.00020.
gnomAD v4.1: 18 of 1,614,182 alleles (0.0011%); highest among the groups gnomAD compares: South Asian, 0.019%; no homozygotes.

Submissions (4):

Ambry Genetics
Classification: Likely benign for Familial thoracic aortic aneurysm and aortic dissection. Last evaluated: 2025-10-27. Review status: criteria provided, single submitter. Criteria: Ambry Variant Classification Scheme 2023. Collection method: clinical testing. Allele origin: germline.

All of Us Research Program, National Institutes of Health
Classification: Likely benign for Ehlers-Danlos syndrome, type 4. Last evaluated: 2023-04-27. Review status: criteria provided, single submitter. Criteria: ACMG Guidelines, 2015. Collection method: clinical testing. Allele origin: germline. Inheritance: Autosomal dominant inheritance. Observed: 1 variant allele, 1 heterozygote.
Comment: This study involves interpretation of variants in research participants for the purpose of population health screening. Participant phenotype was not available at the time of variant classification. Additional details can be found in publication PMID: 35346344, PMCID: PMC8962531

Labcorp Genetics (formerly Invitae), Labcorp
Classification: Likely benign for Ehlers-Danlos syndrome, type 4. Last evaluated: 2023-04-08. Review status: criteria provided, single submitter. Criteria: Invitae Variant Classification Sherloc (09022015). Collection method: clinical testing. Allele origin: germline.

Color Diagnostics, LLC DBA Color Health
Classification: Likely benign for Familial thoracic aortic aneurysm and aortic dissection. Last evaluated: 2019-01-11. Review status: criteria provided, single submitter. Criteria: ACMG Guidelines, 2015. Collection method: clinical testing. Allele origin: germline.